The following is an entry in ClinVar:

ClinVar aggregate classification (germline): Benign. Review status: criteria provided, multiple submitters, no conflicts (2 of 4 stars). 3 submissions from 3 submitters: Benign (3). Last evaluated 2024-07-15.

Allele frequency attached by ClinVar (database versions not stated): gnomAD exomes 0.37279; gnomAD 0.40447 and 0.40973; TOPMed 0.42084; 1000 Genomes Project 0.47444; 1000 Genomes Project 30x 0.47611.
gnomAD v4.1: 443,355 of 1,174,814 alleles (38%); highest among the groups gnomAD compares: South Asian, 56%; 87,539 homozygotes.

Submissions (3):

Unidad de Genómica Garrahan, Hospital de Pediatría Garrahan
Classification: Benign. Last evaluated: 2024-07-15. Review status: criteria provided, single submitter. Criteria: ACMG Guidelines, 2015. Collection method: clinical testing. Allele origin: germline. Affected: no. Observed: 63 variant alleles.
Comment: This variant is classified as Benign based on local population frequency. This variant was detected in 68% of patients studied in a panel designed for Epileptic and Developmental Encephalopathy and Progressive Myoclonus Epilepsy. Number of patients: 63. Only high quality variants are reported.

GeneDx
Classification: Benign. Last evaluated: 2021-05-11. Review status: criteria provided, single submitter. Criteria: GeneDx Variant Classification Process June 2021. Collection method: clinical testing. Allele origin: germline. Affected: yes.

Breakthrough Genomics
Classification: Benign. Review status: criteria provided, single submitter. Criteria: ACMG Guidelines, 2015. Collection method: not provided. Allele origin: germline. Inheritance: Autosomal dominant inheritance. Affected: yes.

NM_005235.3(ERBB4):c.3135+63A>G

Gene: ERBB4 (erb-b2 receptor tyrosine kinase 4; minus strand). Cytogenetic location: 2q34.
Variant type: single nucleotide variant.
Coding change: c.3135+63A>G on transcript NM_005235.3 (MANE Select); 63 bases into the intron after coding-DNA position 3135, A replaced by G.
Molecular consequence: intron variant.
Genome position (GRCh38, 1-based): chr2:211,420,378, T>C on the plus strand (A>G on the coding strand, the complement: ERBB4 is on the minus strand). VCF-style: chr2-211420378-T-C. GRCh37 (hg19) VCF-style: chr2-212285103-T-C.
Other names: c.3135+63A>G (NM_001042599.2); c.3105+63A>G (NM_001439006.1, NM_001439005.1).
Identifiers: ClinVar variation 1283533 (VCV001283533.4), dbSNP rs2289086, ClinGen allele CA11263664.
Genomic context (GRCh38, chr2:211,420,378, plus strand): 5'-TTTTAATCTAGGCATCACATTGATTTGAGCTATATAATTATTTTGAAATGTTAGTGCTTA[T>C]GAACTATTACATGATTTTATATCTCAGAAAGAATATGATATGTGTATATAATTATTTCTT-3'